The following is an entry in ClinVar:

ClinVar aggregate classification (germline): Conflicting classifications of pathogenicity. Review status: criteria provided, conflicting classifications (1 of 4 stars). 3 submissions from 3 submitters: Uncertain significance (1); Benign (2). Last evaluated 2026-09-21.

Conditions:
NCF2-related disorder. Also called: NCF2-related condition.
Granulomatous disease, chronic, autosomal recessive, cytochrome b-positive, type 2. Also called: Chronic granulomatous disease due to deficiency of NCF-2; CGD, AUTOSOMAL RECESSIVE CYTOCHROME b-POSITIVE, TYPE II; GRANULOMATOUS DISEASE, CHRONIC, DUE TO NCF2 DEFICIENCY; Chronic Granulomatous Disease, Autosomal Recessive, Cytochrome b-Positive, Type II; GRANULOMATOUS DISEASE, CHRONIC, AUTOSOMAL RECESSIVE, 2. Identifiers: Orphanet 379, MedGen C1856245, MONDO:0009310, OMIM 233710.

Allele frequency attached by ClinVar (database versions not stated): gnomAD below 0.00001 and 0.00037; TOPMed 0.00010; gnomAD exomes 0.00061 and 0.00130; ExAC 0.00158; 1000 Genomes Project 30x 0.00344; 1000 Genomes Project 0.00359.
gnomAD v4.1: 947 of 1,613,994 alleles (0.059%); highest among the groups gnomAD compares: South Asian, 0.98%; 11 homozygotes.

Submissions (3):

PreventionGenetics, part of Exact Sciences
Classification: Benign for NCF2-related condition. Last evaluated: 2026-09-21. Review status: criteria provided, single submitter. Criteria: ACMG Guidelines, 2015. Collection method: clinical testing. Allele origin: germline.
Comment: This variant is classified as benign based on ACMG/AMP sequence variant interpretation guidelines (Richards et al. 2015 PMID: 25741868, with internal and published modifications).

Labcorp Genetics (formerly Invitae), Labcorp
Classification: Benign for Granulomatous disease, chronic, autosomal recessive, cytochrome b-positive, type 2. Last evaluated: 2026-01-28. Review status: criteria provided, single submitter. Criteria: Invitae Variant Classification Sherloc (09022015). Collection method: clinical testing. Allele origin: germline.

Illumina Laboratory Services, Illumina
Classification: Uncertain significance for Granulomatous disease, chronic, autosomal recessive, cytochrome b-positive, type 2. Last evaluated: 2017-04-27. Review status: criteria provided, single submitter. Criteria: ICSL Variant Classification Criteria 13 December 2019. Collection method: clinical testing. Allele origin: germline.

NM_000433.4(NCF2):c.918G>A (p.Gln306=)

Gene: NCF2 (neutrophil cytosolic factor 2; minus strand). Cytogenetic location: 1q25.3.
Variant type: single nucleotide variant.
Coding change: c.918G>A on transcript NM_000433.4 (MANE Select); coding-DNA position 918, G replaced by A.
Protein change: p.Gln306=; no amino-acid change (glutamine 306 retained).
Molecular consequence: synonymous variant.
Genome position (GRCh38, 1-based): chr1:183,566,926, C>T on the plus strand (G>A on the coding strand, the complement: NCF2 is on the minus strand). VCF-style: chr1-183566926-C-T. GRCh37 (hg19) VCF-style: chr1-183536061-C-T.
Other names: c.918G>A, p.Gln306= (NM_001127651.3); c.675G>A, p.Gln225= (NM_001190789.2); c.783G>A, p.Gln261= (NM_001190794.2).
Identifiers: ClinVar variation 759738 (VCV000759738.16), dbSNP rs535561432, ClinGen allele CA1284761.